The following is an entry in ClinVar:

ClinVar aggregate classification (germline): Uncertain significance. Review status: criteria provided, multiple submitters, no conflicts (2 of 4 stars). 2 submissions from 2 submitters: Uncertain significance (2). Last evaluated 2026-01-27.

Allele frequency attached by ClinVar (database versions not stated): TOPMed 0.00003; ExAC 0.00006; gnomAD exomes 0.00009; gnomAD 0.00010; 1000 Genomes Project 30x 0.00016; 1000 Genomes Project 0.00020.

Submissions (2):

Labcorp Genetics (formerly Invitae), Labcorp
Classification: Uncertain significance. Last evaluated: 2026-01-27. Review status: criteria provided, single submitter. Criteria: Invitae Variant Classification Sherloc (09022015). Collection method: clinical testing. Allele origin: germline.
Comment: This sequence change replaces proline, which is neutral and non-polar, with leucine, which is neutral and non-polar, at codon 2014 of the OTOG protein (p.Pro2014Leu). This variant is present in population databases (rs536679514, gnomAD 0.03%). This variant has not been reported in the literature in individuals affected with OTOG-related conditions. ClinVar contains an entry for this variant (Variation ID: 1802127). An algorithm developed to predict the effect of missense changes on protein structure and function outputs the following: PolyPhen-2: "Benign". The leucine amino acid residue is found in multiple mammalian species, which suggests that this missense change does not adversely affect protein function. In summary, the available evidence is currently insufficient to determine the role of this variant in disease. Therefore, it has been classified as a Variant of Uncertain Significance.

GeneDx
Classification: Uncertain significance. Last evaluated: 2022-12-02. Review status: criteria provided, single submitter. Criteria: GeneDx Variant Classification Process June 2021. Collection method: clinical testing. Allele origin: germline. Affected: yes.
Comment: In silico analysis supports that this missense variant does not alter protein structure/function; Has not been previously published as pathogenic or benign to our knowledge

NM_001292063.2(OTOG):c.6005C>T (p.Pro2002Leu)

Gene: OTOG (otogelin; plus strand). Cytogenetic location: 11p15.1.
Variant type: single nucleotide variant.
Coding change: c.6005C>T on transcript NM_001292063.2 (MANE Select); coding-DNA position 6005, C replaced by T.
Protein change: p.Pro2002Leu; replaces proline 2002 with leucine.
Molecular consequence: missense variant.
Genome position (GRCh38, 1-based): chr11:17,611,305, C>T. VCF-style: chr11-17611305-C-T. GRCh37 (hg19) VCF-style: chr11-17632852-C-T.
Other names: c.6041C>T, p.Pro2014Leu (NM_001277269.2); short protein forms P2002L, P2014L.
Identifiers: ClinVar variation 1802127 (VCV001802127.2), dbSNP rs536679514, ClinGen allele CA5905972.